The following is an entry in ClinVar:

NM_006295.3(VARS1):c.1852del (p.Arg618fs)

Gene: VARS1 (valyl-tRNA synthetase 1; minus strand). Cytogenetic location: 6p21.33.
Variant type: Deletion.
Coding change: c.1852del on transcript NM_006295.3 (MANE Select); coding-DNA position 1852, one base deleted (C; older notation c.1852delC).
Protein change: p.Arg618fs; shifts the reading frame from arginine 618.
Molecular consequence: frameshift variant.
Genome position (GRCh38, 1-based): chr6:31,782,756, G deleted on the plus strand (C on the coding strand, the reverse complement: VARS1 is on the minus strand); the first of 3 consecutive G bases (chr6:31,782,756-31,782,758); deleting any one gives the same sequence. VCF-style (leftmost placement, unchanged base first): chr6-31782755-CG-C. GRCh37 (hg19) VCF-style: chr6-31750532-CG-C.
Other names: short protein forms R618fs.
Identifiers: ClinVar variation 3376279 (VCV003376279.1).

ClinVar aggregate classification (germline): Likely pathogenic (1 of 4 stars; one submission).

Conditions:
Neurodevelopmental disorder with microcephaly, seizures, and cortical atrophy. Identifiers: MedGen C4540493, MONDO:0060621, OMIM 617802.

Submission:

Pittsburgh Clinical Genomics Laboratory, University of Pittsburgh Medical Center
Classification: Likely pathogenic for Neurodevelopmental disorder with microcephaly, seizures, and cortical atrophy. Last evaluated: 2021-07-23. Review status: criteria provided, single submitter. Criteria: ACMG Guidelines, 2015. Collection method: clinical testing. Allele origin: germline. Inheritance: Autosomal recessive inheritance. Affected: yes.
Comment: This sequence variant is predicted to generate a non-functiol allele through either the expression of a truncated protein,or a loss of VARS1 expression due to nonsense mediated decay. This variant is absent from control population datasets (gnomAD database, 0 of approximately 245,000 alleles) and online datasets of clinically annotated variants (ClinVar). To our knowledge, this variant has not been observed in publications in individuals with VARS1-related disease and studies examining the effect of this variant on VARS1 function have not been performed. Nonetheless, loss of function variants in VARS1 are a known mechanism of neurodevelopmental disorders (PMID: 29691655, 30755602). Based upon this evidence, we consider this to be a likely pathogenic variant. ACMG Criteria: PM2, PVS1

Literature cited by the submitters: PubMed 30755602; PubMed 29691655.